The following is an entry in ClinVar:

ClinVar aggregate classification (germline): Conflicting classifications of pathogenicity. Review status: criteria provided, conflicting classifications (1 of 4 stars). 8 submissions from 8 submitters: Uncertain significance (1); Benign (1); Likely benign (5). 1 of the submissions does not count toward it. Last evaluated 2025-08-07.

Conditions:
Hereditary pancreatitis (PCTT). Also called: Hereditary chronic pancreatitis; PRSS1-Related Hereditary Pancreatitis. Identifiers: Orphanet 676, MedGen C0238339, MONDO:0008185, OMIM 167800.
SPINK1-related disorder. Also called: SPINK1-related condition.

Allele frequency attached by ClinVar (database versions not stated): gnomAD exomes 0.00005 and 0.00013; 1000 Genomes Project 30x 0.00016; ExAC 0.00017; 1000 Genomes Project 0.00020; gnomAD 0.00046 and 0.00048; TOPMed 0.00056; ESP Exome Variant Server 0.00085.
gnomAD v4.1: 155 of 1,613,690 alleles (0.0096%); highest among the groups gnomAD compares: African/African-American, 0.17%; 1 homozygote.

Submissions (8):

Labcorp Genetics (formerly Invitae), Labcorp
Classification: Benign for Hereditary pancreatitis. Last evaluated: 2025-08-07. Review status: criteria provided, single submitter. Criteria: Invitae Variant Classification Sherloc (09022015). Collection method: clinical testing. Allele origin: germline.

Blueprint Genetics
Classification: Likely benign. Last evaluated: 2024-10-04. Review status: criteria provided, single submitter. Criteria: ACMG Guidelines, 2015. Collection method: clinical testing. Allele origin: germline.

KCCC/NGS Laboratory, Kuwait Cancer Control Center
Classification: Likely benign for Hereditary pancreatitis. Last evaluated: 2023-07-07. Review status: criteria provided, single submitter. Criteria: ACMG Guidelines, 2015. Collection method: clinical testing. Allele origin: germline. Affected: yes.

ARUP Laboratories, Molecular Genetics and Genomics, ARUP Laboratories
Classification: Likely benign. Last evaluated: 2022-10-25. Review status: criteria provided, single submitter. Criteria: ARUP Molecular Germline Variant Investigation Process 2021. Collection method: clinical testing. Allele origin: germline.

Women's Health and Genetics/Laboratory Corporation of America, LabCorp
Classification: Likely benign. Last evaluated: 2020-11-24. Review status: criteria provided, single submitter. Criteria: LabCorp Variant Classification Summary - May 2015. Collection method: clinical testing. Allele origin: germline.

Illumina Laboratory Services, Illumina
Classification: Uncertain significance for Hereditary pancreatitis. Last evaluated: 2018-01-13. Review status: criteria provided, single submitter. Criteria: ICSL Variant Classification Criteria 13 December 2019. Collection method: clinical testing. Allele origin: germline.

Ambry Genetics
Classification: Likely benign for Hereditary pancreatitis. Last evaluated: 2017-10-23. Review status: criteria provided, single submitter. Criteria: Ambry Variant Classification Scheme 2023. Collection method: clinical testing. Allele origin: germline.

PreventionGenetics, part of Exact Sciences
Classification: Likely benign for SPINK1-related condition. Last evaluated: 2019-06-12. Review status: no assertion criteria provided. Collection method: clinical testing. Allele origin: germline. Not counted in ClinVar's aggregate classification.
Comment: This variant is classified as likely benign based on ACMG/AMP sequence variant interpretation guidelines (Richards et al. 2015 PMID: 25741868, with internal and published modifications).

NM_001379610.1(SPINK1):c.33C>T (p.Ala11=)

Gene: SPINK1 (serine peptidase inhibitor Kazal type 1; minus strand). Cytogenetic location: 5q32.
Variant type: single nucleotide variant.
Coding change: c.33C>T on transcript NM_001379610.1 (MANE Select); coding-DNA position 33, C replaced by T.
Protein change: p.Ala11=; no amino-acid change (alanine 11 retained).
Molecular consequence: synonymous variant.
Genome position (GRCh38, 1-based): chr5:147,831,545, G>A on the plus strand (C>T on the coding strand, the complement: SPINK1 is on the minus strand). VCF-style: chr5-147831545-G-A. GRCh37 (hg19) VCF-style: chr5-147211108-G-A.
Other names: c.33C>T, p.Ala11= (NM_001354966.2, NM_003122.5).
Identifiers: ClinVar variation 440295 (VCV000440295.32), dbSNP rs147454311, ClinGen allele CA3494828.
Genomic context (GRCh38, chr5:147,831,545, plus strand): 5'-ACAGTTTTATTTAAATTTGAAAAATATGCAACACTTACCAGATAGACTCAACAGGGCCAA[G>A]GCACTGAGAAGAAAGATGCCTGTTACCTTCATGGCTGAAGTTCTGCGTCCAGAGGTCAGT-3'
Protein context (NP_001366539.1, residues 1-21): MKVTGIFLLS[Ala11=]LALLSLSGNT